The following is an entry in ClinVar:

ClinVar aggregate classification (germline): Pathogenic (1 of 4 stars; one submission).

Submission:

GeneDx
Classification: Pathogenic. Last evaluated: 2018-10-26. Review status: criteria provided, single submitter. Criteria: GeneDx Variant Classification (06012015). Collection method: clinical testing. Allele origin: germline. Affected: yes.
Comment: The c.633dupC variant in the DYRK1A gene has not been reported previously as a pathogenic variant nor as a benign variant, to our knowledge. This variant causes a frameshift starting with codon Lysine 212, changes this amino acid to a Glutamine residue, and creates a premature Stop codon at position 3 of the new reading frame, denoted p..Lys212GlnfsX3. This variant is predicted to cause loss of normal protein function either through protein truncation or nonsense-mediated mRNA decay. The c.633dupC variant is not observed in large population cohorts (Lek et al., 2016). We interpret c.633dupC as a pathogenic variant.

NM_001347721.2(DYRK1A):c.606dup (p.Lys203fs)

Gene: DYRK1A (dual specificity tyrosine phosphorylation regulated kinase 1A; plus strand). Cytogenetic location: 21q22.13.
Variant type: Duplication.
Coding change: c.606dup on transcript NM_001347721.2 (MANE Select); coding-DNA position 606, one base duplicated (C; older notation c.606dupC).
Protein change: p.Lys203fs; shifts the reading frame from lysine 203.
Molecular consequence: frameshift variant.
Genome position (GRCh38, 1-based): chr21:37,486,583, C duplicated. VCF-style (leftmost placement, unchanged base first): chr21-37486582-A-AC. GRCh37 (hg19) VCF-style: chr21-38858884-A-AC.
Other names: c.606dup, p.Lys203fs (NM_001347722.2, NM_130436.2); c.519dup, p.Lys174fs (NM_001347723.2); c.633dup, p.Lys212fs (NM_001396.5, NM_101395.2, NM_130438.2); short protein forms K203fs, K212fs, K174fs.
Identifiers: ClinVar variation 817869 (VCV000817869.1), dbSNP rs1601253237, ClinGen allele CA915952627.
Genomic context (GRCh38, chr21:37,486,582, plus strand): 5'-AGAACAAGAAGGCTTTTCTGAATCAAGCACAGATAGAAGTGCGACTTCTTGAGCTCATGA[A>AC]CAAACATGACACTGAAATGAAATACTACATAGGTAAACAAACAGGCAAACAGCGCAGTGT-3'